The following is an entry in ClinVar:

NM_006031.6(PCNT):c.9330del (p.Arg3110fs)

Gene: PCNT (pericentrin; plus strand). Cytogenetic location: 21q22.3.
Variant type: Deletion.
Coding change: c.9330del on transcript NM_006031.6 (MANE Select); coding-DNA position 9330, one base deleted (G; older notation c.9330delG).
Protein change: p.Arg3110fs; shifts the reading frame from arginine 3110.
Molecular consequence: frameshift variant.
Genome position (GRCh38, 1-based): chr21:46,440,139, G deleted; the last of 2 consecutive G bases (chr21:46,440,138-46,440,139); deleting either gives the same sequence. VCF-style (leftmost placement, unchanged base first): chr21-46440137-AG-A. GRCh37 (hg19) VCF-style: chr21-47860050-AG-A.
Other names: c.8739del, p.Arg2913fs (NM_001315529.2); short protein forms R3110fs, R2913fs.
Identifiers: ClinVar variation 2706450 (VCV002706450.3), dbSNP rs2519111000, ClinGen allele CA2697547612.

ClinVar aggregate classification (germline): Pathogenic (1 of 4 stars; one submission).

Submission:

Labcorp Genetics (formerly Invitae), Labcorp
Classification: Pathogenic. Last evaluated: 2023-12-30. Review status: criteria provided, single submitter. Criteria: Invitae Variant Classification Sherloc (09022015). Collection method: clinical testing. Allele origin: germline.
Comment: This sequence change creates a premature translational stop signal (p.Arg3110Serfs*31) in the PCNT gene. It is expected to result in an absent or disrupted protein product. Loss-of-function variants in PCNT are known to be pathogenic (PMID: 18174396, 22821869). This variant is not present in population databases (gnomAD no frequency). This variant has not been reported in the literature in individuals affected with PCNT-related conditions. For these reasons, this variant has been classified as Pathogenic.

Literature cited by the submitters: PubMed 18174396; PubMed 22821869.